The following is an entry in ClinVar:

NM_000138.5(FBN1):c.3656A>G (p.Tyr1219Cys)

Gene: FBN1 (fibrillin 1; minus strand). Cytogenetic location: 15q21.1.
Variant type: single nucleotide variant.
Coding change: c.3656A>G on transcript NM_000138.5 (MANE Select); coding-DNA position 3656, A replaced by G.
Protein change: p.Tyr1219Cys; replaces tyrosine 1219 with cysteine.
Molecular consequence: missense variant.
Genome position (GRCh38, 1-based): chr15:48,485,430, T>C on the plus strand (A>G on the coding strand, the complement: FBN1 is on the minus strand). VCF-style: chr15-48485430-T-C. GRCh37 (hg19) VCF-style: chr15-48777627-T-C.
Other names: p.Tyr1219Cys; short protein forms Y1219C.
Identifiers: ClinVar variation 549181 (VCV000549181.41), dbSNP rs1555398394, ClinGen allele CA392324453.

ClinVar aggregate classification (germline): Pathogenic/Likely pathogenic. Review status: criteria provided, multiple submitters, no conflicts (2 of 4 stars). 7 submissions from 7 submitters: Pathogenic (2); Likely pathogenic (3). 2 of the submissions do not count toward it. Last evaluated 2025-12-08.

Conditions:
Marfan syndrome (MFS). Also called: Marfan syndrome type 1; Marfan syndrome, classic; Marfan's syndrome; FBN1-Related Marfan Syndrome; MARFAN SYNDROME, TYPE I. Identifiers: Orphanet 284963, Orphanet 558, MedGen C0024796, MONDO:0007947, OMIM 154700.
Thoracic aortic aneurysm or dissection.
FBN1-related disorder. Also called: FBN1-related disorders.

Allele frequency attached by ClinVar (database versions not stated): gnomAD exomes below 0.00001.
gnomAD v4.1: 1 of 1,614,208 alleles (0.000062%); highest among the groups gnomAD compares: Non-Finnish European, 0.000085%; no homozygotes.

Submissions (7):

NHS Central & South Genomic Laboratory Hub
Classification: Pathogenic for Thoracic aortic aneurysm or dissection. Last evaluated: 2025-12-08. Review status: criteria provided, single submitter. Criteria: ACMG Guidelines, 2015. Collection method: clinical testing. Allele origin: germline. Affected: yes.

Institute for Clinical Genetics, University Hospital TU Dresden, University Hospital TU Dresden
Classification: Pathogenic. Last evaluated: 2021-11-03. Review status: criteria provided, single submitter. Criteria: ACMG Guidelines, 2015. Collection method: clinical testing. Allele origin: germline.

Centre of Medical Genetics, University of Antwerp
Classification: Likely pathogenic for Marfan syndrome. Last evaluated: 2021-03-01. Review status: criteria provided, single submitter. Criteria: Submitter's publication. Collection method: research. Allele origin: unknown. Affected: yes.
Comment: PM2, PS1, PP4

Laboratory for Molecular Medicine, Mass General Brigham Personalized Medicine
Classification: Likely pathogenic for Marfan syndrome. Last evaluated: 2019-07-20. Review status: criteria provided, single submitter. Criteria: LMM Criteria. Collection method: clinical testing. Allele origin: germline. Inheritance: Autosomal dominant inheritance. Observed: 2 variant alleles.
Comment: The p.Tyr1219Cys variant in FBN1 has been reported in at least 2 individuals with clinical features of Marfan syndrome (Arbustini 2005), including a de novo occurrence in one individual, and has also been reported in ClinVar (Variation ID 549181). This variant was absent from large population studies. Computational prediction tools and conservation analysis suggest that the p.Tyr1219Cys variant may impact the protein. In summary, although additional studies are required to fully establish its clinical significance, the p.Tyr1219Cys variant meets criteria to be classified as likely pathogenic for autosomal dominant Marfan syndrome. ACMG/AMP Criteria applied: PM2, PM6, PP3, PS4_supporting.

Blueprint Genetics
Classification: Likely pathogenic for FBN1-related disorders. Last evaluated: 2018-04-12. Review status: criteria provided, single submitter. Criteria: ACMG Guidelines, 2015. Collection method: clinical testing. Allele origin: germline. Affected: yes. Observed: 1 variant allele.

Clinical Laboratory Sciences Program (CLSP), King Saud bin Abdulaziz University for Health Sciences (KSAU-HS)
Classification: Pathogenic for Marfan syndrome. Last evaluated: 2023-04-01. Review status: no assertion criteria provided. Collection method: clinical testing. Allele origin: germline. Affected: yes. Not counted in ClinVar's aggregate classification.

Center for Medical Genetics Ghent, University of Ghent
Classification: Likely pathogenic for Marfan syndrome. Last evaluated: 2017-11-07. Review status: no assertion criteria provided. Collection method: clinical testing. Allele origin: germline. Affected: yes. Not counted in ClinVar's aggregate classification.

Literature cited by the submitters: PubMed 16222657 (cited by Laboratory for Molecular Medicine, Mass General Brigham Personalized Medicine).